The following is an entry in ClinVar:

NM_031483.7(ITCH):c.496G>A (p.Gly166Ser)

Gene: ITCH (itchy E3 ubiquitin protein ligase; plus strand). Cytogenetic location: 20q11.22.
Variant type: single nucleotide variant.
Coding change: c.496G>A on transcript NM_031483.7 (MANE Select); coding-DNA position 496, G replaced by A.
Protein change: p.Gly166Ser; replaces glycine 166 with serine.
Molecular consequence: missense variant.
Genome position (GRCh38, 1-based): chr20:34,424,500, G>A. VCF-style: chr20-34424500-G-A. GRCh37 (hg19) VCF-style: chr20-33012306-G-A.
Other names: c.619G>A, p.Gly207Ser (NM_001257137.3, NM_001324197.2); c.166G>A, p.Gly56Ser (NM_001257138.3); c.496G>A, p.Gly166Ser (NM_001324198.2); short protein forms G207S, G166S, G56S.
Identifiers: ClinVar variation 1511607 (VCV001511607.6), dbSNP rs2146220329, ClinGen allele CA408662425.

ClinVar aggregate classification (germline): Uncertain significance (1 of 4 stars; one submission).

Conditions:
Syndromic multisystem autoimmune disease due to ITCH deficiency. Also called: AUTOIMMUNE DISEASE, MULTISYSTEM, WITH FACIAL DYSMORPHISM. Identifiers: Orphanet 228426, MedGen C3150649, MONDO:0013245, OMIM 613385.

Submission:

Labcorp Genetics (formerly Invitae), Labcorp
Classification: Uncertain significance for Syndromic multisystem autoimmune disease due to ITCH deficiency. Last evaluated: 2024-02-24. Review status: criteria provided, single submitter. Criteria: Invitae Variant Classification Sherloc (09022015). Collection method: clinical testing. Allele origin: germline.
Comment: This sequence change replaces glycine, which is neutral and non-polar, with serine, which is neutral and polar, at codon 166 of the ITCH protein (p.Gly166Ser). This variant is not present in population databases (gnomAD no frequency). This variant has not been reported in the literature in individuals affected with ITCH-related conditions. ClinVar contains an entry for this variant (Variation ID: 1511607). An algorithm developed to predict the effect of missense changes on protein structure and function (PolyPhen-2) suggests that this variant is likely to be tolerated. In summary, the available evidence is currently insufficient to determine the role of this variant in disease. Therefore, it has been classified as a Variant of Uncertain Significance.